The following is an entry in ClinVar:

NM_004444.5(EPHB4):c.1319T>C (p.Ile440Thr)

Gene: EPHB4 (EPH receptor B4; minus strand). Cytogenetic location: 7q22.1.
Variant type: single nucleotide variant.
Coding change: c.1319T>C on transcript NM_004444.5 (MANE Select); coding-DNA position 1319, T replaced by C.
Protein change: p.Ile440Thr; replaces isoleucine 440 with threonine.
Molecular consequence: missense variant.
Genome position (GRCh38, 1-based): chr7:100,818,623, A>G on the plus strand (T>C on the coding strand, the complement: EPHB4 is on the minus strand). VCF-style: chr7-100818623-A-G. GRCh37 (hg19) VCF-style: chr7-100416245-A-G.
Other names: short protein forms I440T.
Identifiers: ClinVar variation 1769854 (VCV001769854.3), dbSNP rs2485033021, ClinGen allele CA368573922.

ClinVar aggregate classification (germline): Uncertain significance (1 of 4 stars; one submission).

Conditions:
Cardiovascular phenotype. Identifiers: MedGen CN230736.

Submission:

Ambry Genetics
Classification: Uncertain significance for Cardiovascular phenotype. Last evaluated: 2024-10-15. Review status: criteria provided, single submitter. Criteria: Ambry Variant Classification Scheme 2023. Collection method: clinical testing. Allele origin: germline.
Comment: The p.I440T variant (also known as c.1319T>C), located in coding exon 7 of the EPHB4 gene, results from a T to C substitution at nucleotide position 1319. The isoleucine at codon 440 is replaced by threonine, an amino acid with similar properties. This amino acid position is conserved. In addition, the in silico prediction for this alteration is inconclusive. Since supporting evidence is limited at this time, the clinical significance of this alteration remains unclear.